The following is an entry in ClinVar:

ClinVar aggregate classification (germline): Uncertain significance (1 of 4 stars; one submission).

Allele frequency attached by ClinVar (database versions not stated): gnomAD exomes below 0.00001; TOPMed below 0.00001; ExAC 0.00001.
gnomAD v4.1: 2 of 1,614,162 alleles (0.00012%); highest among the groups gnomAD compares: Admixed American, 0.0033%; no homozygotes.

Submission:

Labcorp Genetics (formerly Invitae), Labcorp
Classification: Uncertain significance. Last evaluated: 2022-03-26. Review status: criteria provided, single submitter. Criteria: Invitae Variant Classification Sherloc (09022015). Collection method: clinical testing. Allele origin: germline.
Comment: In summary, the available evidence is currently insufficient to determine the role of this variant in disease. Therefore, it has been classified as a Variant of Uncertain Significance. Algorithms developed to predict the effect of missense changes on protein structure and function are either unavailable or do not agree on the potential impact of this missense change (SIFT: "Deleterious"; PolyPhen-2: "Probably Damaging"; Align-GVGD: "Class C0"). This variant has not been reported in the literature in individuals affected with ARHGAP31-related conditions. This variant is present in population databases (rs748087375, gnomAD 0.006%). This sequence change replaces serine, which is neutral and polar, with proline, which is neutral and non-polar, at codon 1374 of the ARHGAP31 protein (p.Ser1374Pro).

NM_020754.4(ARHGAP31):c.4120T>C (p.Ser1374Pro)

Gene: ARHGAP31 (Rho GTPase activating protein 31; plus strand). Cytogenetic location: 3q13.33.
Variant type: single nucleotide variant.
Coding change: c.4120T>C on transcript NM_020754.4 (MANE Select); coding-DNA position 4120, T replaced by C.
Protein change: p.Ser1374Pro; replaces serine 1374 with proline.
Molecular consequence: missense variant.
Genome position (GRCh38, 1-based): chr3:119,416,049, T>C. VCF-style: chr3-119416049-T-C. GRCh37 (hg19) VCF-style: chr3-119134896-T-C.
Other names: short protein forms S1374P.
Identifiers: ClinVar variation 1963750 (VCV001963750.5), dbSNP rs748087375, ClinGen allele CA2554300.